The following is an entry in ClinVar:

NM_001042492.3(NF1):c.5668_5669delinsTT (p.Gly1890Phe)

Gene: NF1 (neurofibromin 1; plus strand). Cytogenetic location: 17q11.2.
Variant type: Indel.
Coding change: c.5668_5669delinsTT on transcript NM_001042492.3 (MANE Select); coding-DNA positions 5668 to 5669, GG replaced by TT.
Protein change: p.Gly1890Phe; replaces glycine 1890 with phenylalanine.
Molecular consequence: missense variant.
Genome position (GRCh38, 1-based): chr17:31,330,354-31,330,355, GG replaced by TT. VCF-style: chr17-31330354-GG-TT. GRCh37 (hg19) VCF-style: chr17-29657372-GG-TT.
Other names: c.5605_5606delGGinsTT, p.Gly1869Phe (NM_000267.4); short protein forms G1869F, G1890F.
Identifiers: ClinVar variation 3772621 (VCV003772621.13).

ClinVar aggregate classification (germline): Likely pathogenic (1 of 4 stars; one submission).

Submission:

CeGaT Center for Human Genetics Tuebingen
Classification: Likely pathogenic. Last evaluated: 2025-02-01. Review status: criteria provided, single submitter. Criteria: CeGaT Center For Human Genetics Tuebingen Variant Classification Criteria Version 2. Collection method: clinical testing. Allele origin: germline. Affected: yes. Observed: 1 variant allele.
Comment: NF1: PM1, PM2, PM5